The following is an entry in ClinVar:

NM_152641.4(ARID2):c.419-5G>A

Gene: ARID2 (AT-rich interaction domain 2; plus strand). Cytogenetic location: 12q12.
Variant type: single nucleotide variant.
Coding change: c.419-5G>A on transcript NM_152641.4 (MANE Select); 5 bases into the intron before coding-DNA position 419, G replaced by A.
Molecular consequence: intron variant.
Genome position (GRCh38, 1-based): chr12:45,817,665, G>A. VCF-style: chr12-45817665-G-A. GRCh37 (hg19) VCF-style: chr12-46211448-G-A.
Other names: c.419-5G>A (NM_001347839.2).
Identifiers: ClinVar variation 3026689 (VCV003026689.22), dbSNP rs773370365, ClinGen allele CA6525899.

ClinVar aggregate classification (germline): Likely benign (1 of 4 stars; one submission).

Allele frequency attached by ClinVar (database versions not stated): gnomAD 0.00001; ExAC 0.00002.
gnomAD v4.1: 4 of 1,588,826 alleles (0.00025%); highest among the groups gnomAD compares: East Asian, 0.009%; no homozygotes.

Submission:

CeGaT Center for Human Genetics Tuebingen
Classification: Likely benign. Last evaluated: 2023-12-01. Review status: criteria provided, single submitter. Criteria: CeGaT Center For Human Genetics Tuebingen Variant Classification Criteria Version 2. Collection method: clinical testing. Allele origin: germline. Affected: yes. Observed: 1 variant allele.
Comment: ARID2: BP4